The following is an entry in ClinVar:

ClinVar aggregate classification (germline): Uncertain significance (1 of 4 stars; one submission).

gnomAD v4.1: 28 of 1,600,270 alleles (0.0017%); highest among the groups gnomAD compares: Non-Finnish European, 0.0023%; no homozygotes.

Submission:

Mayo Clinic Laboratories, Mayo Clinic
Classification: Uncertain significance. Last evaluated: 2025-03-11. Review status: criteria provided, single submitter. Criteria: ACMG Guidelines, 2015. Collection method: clinical testing. Allele origin: germline. Observed: 1 variant allele.
Comment: BP4_strong, PM2_supporting

NM_005101.4(ISG15):c.494G>C (p.Ser165Thr)

Gene: ISG15 (ISG15 ubiquitin like modifier; plus strand). Cytogenetic location: 1p36.33.
Variant type: single nucleotide variant.
Coding change: c.494G>C on transcript NM_005101.4 (MANE Select); coding-DNA position 494, G replaced by C.
Protein change: p.Ser165Thr; replaces serine 165 with threonine.
Molecular consequence: missense variant.
Genome position (GRCh38, 1-based): chr1:1,014,474, G>C. VCF-style: chr1-1014474-G-C. GRCh37 (hg19) VCF-style: chr1-949854-G-C.
Other names: p.Ser165Thr; short protein forms S165T.
Identifiers: ClinVar variation 4541138 (VCV004541138.1).
Genomic context (GRCh38, chr1:1,014,474, plus strand): 5'-TGAGCACCGTGTTCATGAATCTGCGCCTGCGGGGAGGCGGCACAGAGCCTGGCGGGCGGA[G>C]CTAAGGGCCTCCACCAGCATCCGAGCAGGATCAAGGGCCGGAAATAAAGGCTGTTGTAAA-3'
Protein context (NP_005092.1, residues 155-165): RGGGTEPGGR[Ser165Thr]